The following is an entry in ClinVar:

ClinVar aggregate classification (germline): Likely pathogenic. Review status: criteria provided, multiple submitters, no conflicts (2 of 4 stars). 2 submissions from 2 submitters: Likely pathogenic (2). Last evaluated 2024-06-07.

Conditions:
Inborn genetic diseases. Identifiers: MedGen C0950123, MeSH D030342.
Mucopolysaccharidosis, MPS-II (MPS2). Also called: Attenuated MPS (subtype; formerly known as mild MPS II); Severe MPS II; I2S deficiency; MPS 2; Hunter Syndrome; IDURONATE 2-SULFATASE DEFICIENCY. Identifiers: Orphanet 580, Orphanet 79388, MedGen C0026705, MONDO:0010674, OMIM 309900.

Submissions (2):

Laboratory of Diagnosis and Therapy of Lysosomal Disorders, University of Padova
Classification: Likely pathogenic for Mucopolysaccharidosis, MPS-II. Last evaluated: 2024-06-07. Review status: criteria provided, single submitter. Criteria: ACMG Guidelines, 2015. Collection method: literature only. Allele origin: germline. Affected: yes. Observed: 1 variant allele.
Comment: Absent from controls (or at low frequency) in gnomAD database (PM2_Moderate), Missense variant in a gene with a low rate of benign missense variation (PP2_Supporting), Multiple lines of computational evidence support a deleterious effect (PP3_Supporting), Patient’s phenotype or family history highly specific for the disease (PP4_Moderate)

Classification method: ACMG Guidelines [PMID:25741868] with modifications

Ambry Genetics
Classification: Likely pathogenic for Inborn genetic diseases. Last evaluated: 2016-04-08. Review status: criteria provided, single submitter. Criteria: Ambry Variant Classification Scheme 2023. Collection method: clinical testing. Allele origin: germline.
Comment: The p.S71R variant (also known as c.213C>A), located in coding exon 2 of the IDS gene, results from a C to A substitution at nucleotide position 213. The serine at codon 71 is replaced by arginine, an amino acid with dissimilar properties. This variant has been detected in two individuals with mucopolysaccharidosis type II (Li P, J. Med. Genet. 1999 Jan; 36(1):21-7; Lualdi S, Biochim. Biophys. Acta 2006 Apr; 1762(4):478-84). Of note, the nucleotide changes observed in these studies, which result in the same p.S71R alteration, are c.213C>A and c.213C>G, respectively. This variant was not reported in population based cohorts in the following databases: Database of Single Nucleotide Polymorphisms (dbSNP), NHLBI Exome Sequencing Project (ESP), and 1000 Genomes Project. In the ESP, this variant was not observed in 6503 samples with coverage at this position. This amino acid position is highly conserved in available vertebrate species. In addition, this alteration is predicted to be deleterious by in silico analysis.

Literature cited by the submitters: PubMed 9950361 (cited by Laboratory of Diagnosis and Therapy of Lysosomal Disorders, University of Padova and Ambry Genetics); PubMed 16495038 (cited by Ambry Genetics).

NM_000202.8(IDS):c.213C>A (p.Ser71Arg)

Gene: IDS (iduronate 2-sulfatase; minus strand). Cytogenetic location: Xq28.
Variant type: single nucleotide variant.
Coding change: c.213C>A on transcript NM_000202.8 (MANE Select); coding-DNA position 213, C replaced by A.
Protein change: p.Ser71Arg; replaces serine 71 with arginine.
Molecular consequence: missense variant. On other transcripts: 5 prime UTR variant (1), non-coding transcript variant (1).
Genome position (GRCh38, 1-based): chrX:149,504,184, G>T on the plus strand (C>A on the coding strand, the complement: IDS is on the minus strand). VCF-style: chrX-149504184-G-T. GRCh37 (hg19) VCF-style: chrX-148585714-G-T.
Other names: c.-14C>A (NM_001166550.4); c.213C>A, p.Ser71Arg (NM_006123.5); short protein forms S71R.
Identifiers: ClinVar variation 1786537 (VCV001786537.4), dbSNP rs2520900915, ClinGen allele CA414527303.